The following is an entry in ClinVar:

NM_001267052.2(UNC45B):c.85T>G (p.Tyr29Asp)

Gene: UNC45B (unc-45 myosin chaperone B; plus strand). Cytogenetic location: 17q12.
Variant type: single nucleotide variant.
Coding change: c.85T>G on transcript NM_001267052.2 (MANE Select); coding-DNA position 85, T replaced by G.
Protein change: p.Tyr29Asp; replaces tyrosine 29 with aspartic acid.
Molecular consequence: missense variant.
Genome position (GRCh38, 1-based): chr17:35,148,348, T>G. VCF-style: chr17-35148348-T-G. GRCh37 (hg19) VCF-style: chr17-33475367-T-G.
Other names: c.85T>G, p.Tyr29Asp (NM_001033576.2, NM_001308281.1, NM_173167.3); short protein forms Y29D.
Identifiers: ClinVar variation 2366917 (VCV002366917.4), dbSNP rs200575280, ClinGen allele CA8500654.

ClinVar aggregate classification (germline): Uncertain significance. Review status: criteria provided, multiple submitters, no conflicts (2 of 4 stars). 2 submissions from 2 submitters: Uncertain significance (2). Last evaluated 2025-01-30.

Conditions:
Inborn genetic diseases. Identifiers: MedGen C0950123, MeSH D030342.

Allele frequency attached by ClinVar (database versions not stated): ExAC 0.00007; TOPMed 0.00007; gnomAD 0.00010; gnomAD exomes 0.00012.
gnomAD v4.1: 184 of 1,613,980 alleles (0.011%); highest among the groups gnomAD compares: Non-Finnish European, 0.015%; no homozygotes.

Submissions (2):

GeneDx
Classification: Uncertain significance. Last evaluated: 2025-01-30. Review status: criteria provided, single submitter. Criteria: GeneDx Variant Classification Process June 2021. Collection method: clinical testing. Allele origin: germline. Affected: yes.
Comment: In silico analysis supports that this missense variant has a deleterious effect on protein structure/function; Has not been previously published as pathogenic or benign to our knowledge

Ambry Genetics
Classification: Uncertain significance for Inborn genetic diseases. Last evaluated: 2024-07-10. Review status: criteria provided, single submitter. Criteria: Ambry Variant Classification Scheme 2023. Collection method: clinical testing. Allele origin: germline.